The following is an entry in ClinVar:

ClinVar aggregate classification (germline): Likely benign. Review status: criteria provided, multiple submitters, no conflicts (2 of 4 stars). 2 submissions from 2 submitters: Likely benign (2). Last evaluated 2024-09-01.

Allele frequency attached by ClinVar (database versions not stated): gnomAD exomes 0.00012 and 0.00016; gnomAD 0.00015 and 0.00017; ExAC 0.00017; TOPMed 0.00025; ESP Exome Variant Server 0.00039; 1000 Genomes Project 30x 0.00047; 1000 Genomes Project 0.00060.
gnomAD v4.1: 257 of 1,613,656 alleles (0.016%); highest among the groups gnomAD compares: Admixed American, 0.047%; 1 homozygote.

Submissions (2):

CeGaT Center for Human Genetics Tuebingen
Classification: Likely benign. Last evaluated: 2024-09-01. Review status: criteria provided, single submitter. Criteria: CeGaT Center For Human Genetics Tuebingen Variant Classification Criteria Version 2. Collection method: clinical testing. Allele origin: germline. Affected: yes. Observed: 1 variant allele.
Comment: GNB5: BP4, BP7

GeneDx
Classification: Likely benign. Last evaluated: 2019-11-25. Review status: criteria provided, single submitter. Criteria: GeneDx Variant Classification Process June 2021. Collection method: clinical testing. Allele origin: germline. Affected: yes.

NM_016194.4(GNB5):c.762C>T (p.Phe254=)

Gene: GNB5 (G protein subunit beta 5; minus strand). Cytogenetic location: 15q21.2.
Variant type: single nucleotide variant.
Coding change: c.762C>T on transcript NM_016194.4 (MANE Select); coding-DNA position 762, C replaced by T.
Protein change: p.Phe254=; no amino-acid change (phenylalanine 254 retained).
Molecular consequence: synonymous variant.
Genome position (GRCh38, 1-based): chr15:52,135,622, G>A on the plus strand (C>T on the coding strand, the complement: GNB5 is on the minus strand). VCF-style: chr15-52135622-G-A. GRCh37 (hg19) VCF-style: chr15-52427819-G-A.
Other names: c.480C>T, p.Phe160= (NM_001379343.1); c.636C>T, p.Phe212= (NM_006578.4).
Identifiers: ClinVar variation 1210958 (VCV001210958.17), dbSNP rs144268249, ClinGen allele CA7565665.